The following is an entry in ClinVar:

NM_006269.2(RP1):c.6353G>A (p.Ser2118Asn)

Gene: RP1 (RP1 axonemal microtubule associated; plus strand). Cytogenetic location: 8q12.1.
Variant type: single nucleotide variant.
Coding change: c.6353G>A on transcript NM_006269.2 (MANE Select); coding-DNA position 6353, G replaced by A.
Protein change: p.Ser2118Asn; replaces serine 2118 with asparagine.
Molecular consequence: missense variant. On other transcripts: intron variant (1).
Genome position (GRCh38, 1-based): chr8:54,630,235, G>A. VCF-style: chr8-54630235-G-A. GRCh37 (hg19) VCF-style: chr8-55542795-G-A.
Other names: p.Ser2118Asn; c.787+7947G>A (NM_001375654.1); short protein forms S2118N.
Identifiers: ClinVar variation 932080 (VCV000932080.15), dbSNP rs753732597, ClinGen allele CA4752230.

ClinVar aggregate classification (germline): Uncertain significance. Review status: criteria provided, multiple submitters, no conflicts (2 of 4 stars). 9 submissions from 9 submitters: Uncertain significance (9). Last evaluated 2026-10-19.

Conditions:
Retinal dystrophy. Also called: Inherited retinal dystrophy. Identifiers: Orphanet 71862, MedGen C0854723, MeSH D058499, MONDO:0019118, HP:0000556.
RP1-related recessive retinopathy. Identifiers: MedGen CN322605, MONDO:0800399.
RP1-related disorder. Also called: RP1-related condition.
Retinitis pigmentosa 1 (RP1). Identifiers: Orphanet 791, MedGen C0220701, MONDO:0008377, OMIM 180100.

Allele frequency attached by ClinVar (database versions not stated): ExAC 0.00003; gnomAD exomes 0.00001 and 0.00002; TOPMed 0.00001.
gnomAD v4.1: 17 of 1,613,530 alleles (0.0011%); highest among the groups gnomAD compares: East Asian, 0.016%; no homozygotes.

Submissions (9):

Department of Ophthalmology, Seoul National University Bundang Hospital
Classification: Uncertain significance for RP1-related recessive retinopathy. Last evaluated: 2026-10-19. Review status: criteria provided, single submitter. Criteria: ACMG Guidelines, 2015. Collection method: clinical testing. Allele origin: germline. Affected: yes.
Comment: Missense variant in exon 4. Identified in a Korean multicenter RP1 cohort (PMID:42847597), consistently in cis with c.4196del (p.Cys1399Leufs*5) (phase confirmed by long-read sequencing in a representative patient), and considered a downstream passenger change, not an independent cause of disease. ACMG/AMP criteria: PM2. Previously reported by Wang et al., 2014 (PMID:25097241); Huang et al., 2018 (PMID:29641573); Koyanagi et al., 2019 (PMID:31213501); Sun et al., 2020 (PMID:32100970); Ma et al., 2021 (PMID:33691693); Kim et al., 2021 (PMID:33946315); Kars et al., 2021 (PMID:34426522); Kim et al., 2021 (PMID:34721897); Suga et al., 2022 (PMID:36284460).

GeneDx
Classification: Uncertain significance. Last evaluated: 2026-02-11. Review status: criteria provided, single submitter. Criteria: GeneDx Variant Classification Process June 2021. Collection method: clinical testing. Allele origin: germline.
Comment: In silico analysis suggests that this missense variant does not alter protein structure/function; This variant is associated with the following publications: (PMID: 34426522, 25097241, 29641573, 36284460, 32100970, 31213501, 34721897, 39448676, 33946315, 33691693)

PreventionGenetics, part of Exact Sciences
Classification: Uncertain significance for RP1-related condition. Last evaluated: 2026-01-07. Review status: criteria provided, single submitter. Criteria: ACMG Guidelines, 2015. Collection method: clinical testing. Allele origin: germline.
Comment: The RP1 c.6353G>A variant is predicted to result in the amino acid substitution p.Ser2118Asn. This variant has been identified in individuals with inherited retinal disease. However, this variant is often found as an additional variant along with two or more other potentially disease-causing variants in RP1, especially p.Cys1399Leufs*5, suggesting that these variants may be in cis (on the same allele) (see, for example, Table S1, Ma et al. 2021. PubMed ID: 33691693; Wang et al. 2014. PubMed ID: 25097241; Sun et all. 2020. PubMed ID: 32100970; Table S8, Koyanagi et al. 2019. PubMed ID: 31213501; Table S5, Huang et al. 2018. PubMed ID: 29641573). This variant is reported in 0.0054% of alleles in individuals of East Asian descent in gnomAD. At this time, the clinical significance of this variant is uncertain due to the absence of conclusive functional and genetic evidence.

Blueprint Genetics
Classification: Uncertain significance. Last evaluated: 2024-08-26. Review status: criteria provided, single submitter. Criteria: ACMG Guidelines, 2015. Collection method: clinical testing. Allele origin: germline.

Labcorp Genetics (formerly Invitae), Labcorp
Classification: Uncertain significance. Last evaluated: 2023-12-26. Review status: criteria provided, single submitter. Criteria: Invitae Variant Classification Sherloc (09022015). Collection method: clinical testing. Allele origin: germline.
Comment: This sequence change replaces serine, which is neutral and polar, with asparagine, which is neutral and polar, at codon 2118 of the RP1 protein (p.Ser2118Asn). This variant is present in population databases (rs753732597, gnomAD 0.006%). This missense change has been observed in individual(s) with retinitis pigmentosa (PMID: 25097241, 29641573, 31213501, 32100970, 33946315, 34721897, 36284460). ClinVar contains an entry for this variant (Variation ID: 932080). An algorithm developed to predict the effect of missense changes on protein structure and function (PolyPhen-2) suggests that this variant is likely to be tolerated. In summary, the available evidence is currently insufficient to determine the role of this variant in disease. Therefore, it has been classified as a Variant of Uncertain Significance.

Dept Of Ophthalmology, Nagoya University
Classification: Uncertain significance for Retinal dystrophy. Last evaluated: 2023-10-01. Review status: criteria provided, single submitter. Criteria: Submitter's publication. Collection method: research. Allele origin: germline. Affected: yes.

3billion
Classification: Uncertain significance for Retinitis pigmentosa 1. Last evaluated: 2023-08-22. Review status: criteria provided, single submitter. Criteria: ACMG Guidelines, 2015. Collection method: clinical testing. Allele origin: germline. Affected: yes.
Comment: The variant is observed at an extremely low frequency in the gnomAD v2.1.1 dataset (total allele frequency: 0.002%). Predicted Consequence/Location: Protein truncation variants are a common disease-causing mechanism. Same nucleotide change resulting in same amino acid change has been previously reported to be associated with RP1 related disorder (PMID: 25097241). However, the evidence of pathogenicity is insufficient at this time. Therefore, this variant is classified as VUS according to the recommendation of ACMG/AMP guideline.

Institute of Human Genetics, Univ. Regensburg, Univ. Regensburg
Classification: Uncertain significance for Retinal dystrophy. Last evaluated: 2023-01-01. Review status: criteria provided, single submitter. Criteria: ACMG Guidelines, 2015. Collection method: clinical testing. Allele origin: germline. Affected: yes.

Centre for Mendelian Genomics, University Medical Centre Ljubljana
Classification: Uncertain significance for Retinitis pigmentosa 1. Last evaluated: 2019-06-03. Review status: criteria provided, single submitter. Criteria: ACMG Guidelines, 2015. Collection method: clinical testing. Allele origin: unknown. Affected: yes.
Comment: This variant was classified as: Uncertain significance. The available evidence on this variant's pathogenicity is insufficient or conflicting. The following ACMG criteria were applied in classifying this variant: PM2.

Literature cited by the submitters: PubMed 42847597 (cited by Department of Ophthalmology, Seoul National University Bundang Hospital); PubMed 25097241 (cited by 4 submitters); PubMed 29641573 (cited by 3 submitters); PubMed 31213501 (cited by 3 submitters); PubMed 32100970 (cited by 3 submitters); PubMed 33691693 (cited by Department of Ophthalmology, Seoul National University Bundang Hospital and Institute of Human Genetics, Univ. Regensburg, Univ. Regensburg); PubMed 33946315 (cited by 3 submitters); PubMed 34426522 (cited by Department of Ophthalmology, Seoul National University Bundang Hospital and Institute of Human Genetics, Univ. Regensburg, Univ. Regensburg); PubMed 34721897 (cited by 3 submitters); PubMed 36284460 (cited by 3 submitters).